The following is an entry in ClinVar:

ClinVar aggregate classification (germline): Likely pathogenic (1 of 4 stars; one submission).

Conditions:
PMM2-congenital disorder of glycosylation. Also called: CDG Ia; PMM2-CDG; JAEKEN SYNDROME; PHOSPHOMANNOMUTASE 2 DEFICIENCY; CARBOHYDRATE-DEFICIENT GLYCOPROTEIN SYNDROME, TYPE Ia; Congenital disorder of glycosylation, type Ia. Identifiers: Orphanet 79318, MedGen C0349653, MONDO:0008907, OMIM 212065.

Submission:

Natera, Inc.
Classification: Likely pathogenic for Congenital disorder of glycosylation type 1a. Last evaluated: 2024-11-06. Review status: criteria provided, single submitter. Criteria: Natera Variant Classification Schema (03/2026). Collection method: clinical testing. Allele origin: germline.
Comment: The c.639+1G>C variant in PMM2 is a canonical splice donor site variant predicted to affect pre-mRNA splicing, which may result in an abnormal transcript and altered protein product. This variant is expected to result in nonsense mediated decay, truncation, or a dysfunctional protein product. This variant is rare in the general population with a frequency below the threshold expected for the associated phenotype(s). Given the available evidence, this variant is classified as Likely Pathogenic.

NM_000303.3(PMM2):c.639+1G>C

Gene: PMM2 (phosphomannomutase 2; plus strand). Cytogenetic location: 16p13.2.
Variant type: single nucleotide variant.
Coding change: c.639+1G>C on transcript NM_000303.3 (MANE Select); the canonical splice donor site of the intron after coding-DNA position 639, G replaced by C.
Molecular consequence: splice donor variant.
Genome position (GRCh38, 1-based): chr16:8,813,107, G>C. VCF-style: chr16-8813107-G-C. GRCh37 (hg19) VCF-style: chr16-8906964-G-C.
Identifiers: ClinVar variation 4818142 (VCV004818142.1).